The following is an entry in ClinVar:

NM_002907.4(RECQL):c.1537T>A (p.Leu513Met)

Gene: RECQL (RecQ like helicase; minus strand). Cytogenetic location: 12p12.1.
Variant type: single nucleotide variant.
Coding change: c.1537T>A on transcript NM_002907.4 (MANE Select); coding-DNA position 1537, T replaced by A.
Protein change: p.Leu513Met; replaces leucine 513 with methionine.
Molecular consequence: missense variant.
Genome position (GRCh38, 1-based): chr12:21,471,558, A>T on the plus strand (T>A on the coding strand, the complement: RECQL is on the minus strand). VCF-style: chr12-21471558-A-T. GRCh37 (hg19) VCF-style: chr12-21624492-A-T.
Other names: c.1537T>A, p.Leu513Met (NM_032941.3); short protein forms L513M.
Identifiers: ClinVar variation 3787928 (VCV003787928.1).
Genomic context (GRCh38, chr12:21,471,558, plus strand): 5'-CAACACCTGCTACTCTCAGTTTTGCTGCACCCTTTCCCATCCAAGAATCAATCAGTTTCA[A>T]TGGAGTGAGTTTTTCATTCAGTTCCTCTGCCTGCTTCAGGATCTTGATTAGATCTCTGCA-3'
Protein context (NP_002898.2, residues 503-523): AEELNEKLTP[Leu513Met]KLIDSWMGKG

ClinVar aggregate classification (germline): Uncertain significance (1 of 4 stars; one submission).

Submission:

Ambry Genetics
Classification: Uncertain significance. Last evaluated: 2025-03-10. Review status: criteria provided, single submitter. Criteria: Ambry Variant Classification Scheme 2023. Collection method: clinical testing. Allele origin: germline.
Comment: The p.L513M variant (also known as c.1537T>A), located in coding exon 12 of the RECQL gene, results from a T to A substitution at nucleotide position 1537. The leucine at codon 513 is replaced by methionine, an amino acid with highly similar properties. This amino acid position is conserved. In addition, this alteration is predicted to be tolerated by in silico analysis. Based on the available evidence, the clinical significance of this variant remains unclear.